The following is an entry in ClinVar:

NM_181507.2(HPS5):c.2002A>G (p.Lys668Glu)

Gene: HPS5 (HPS5 biogenesis of lysosomal organelles complex 2 subunit 2; minus strand). Cytogenetic location: 11p15.1.
Variant type: single nucleotide variant.
Coding change: c.2002A>G on transcript NM_181507.2 (MANE Select); coding-DNA position 2002, A replaced by G.
Protein change: p.Lys668Glu; replaces lysine 668 with glutamic acid.
Molecular consequence: missense variant.
Genome position (GRCh38, 1-based): chr11:18,291,880, T>C on the plus strand (A>G on the coding strand, the complement: HPS5 is on the minus strand). VCF-style: chr11-18291880-T-C. GRCh37 (hg19) VCF-style: chr11-18313427-T-C.
Other names: c.1660A>G, p.Lys554Glu (NM_007216.4, NM_181508.2); short protein forms K554E, K668E.
Identifiers: ClinVar variation 1386084 (VCV001386084.7), dbSNP rs747718129, ClinGen allele CA5909943.

ClinVar aggregate classification (germline): Uncertain significance. Review status: criteria provided, multiple submitters, no conflicts (2 of 4 stars). 3 submissions from 3 submitters: Uncertain significance (3). Last evaluated 2025-08-10.

Conditions:
Inborn genetic diseases. Identifiers: MedGen C0950123, MeSH D030342.

Allele frequency attached by ClinVar (database versions not stated): TOPMed 0.00002; ExAC 0.00003; gnomAD exomes 0.00003.
gnomAD v4.1: 9 of 1,607,292 alleles (0.00056%); highest among the groups gnomAD compares: Admixed American, 0.015%; no homozygotes.

Submissions (3):

Ambry Genetics
Classification: Uncertain significance for Inborn genetic diseases. Last evaluated: 2025-08-10. Review status: criteria provided, single submitter. Criteria: Ambry Variant Classification Scheme 2023. Collection method: clinical testing. Allele origin: germline.

Labcorp Genetics (formerly Invitae), Labcorp
Classification: Uncertain significance. Last evaluated: 2021-09-01. Review status: criteria provided, single submitter. Criteria: Invitae Variant Classification Sherloc (09022015). Collection method: clinical testing. Allele origin: germline.
Comment: This sequence change replaces lysine with glutamic acid at codon 668 of the HPS5 protein (p.Lys668Glu). The lysine residue is weakly conserved and there is a small physicochemical difference between lysine and glutamic acid. This variant is present in population databases (rs747718129, ExAC 0.03%). This variant has not been reported in the literature in individuals affected with HPS5-related conditions. Algorithms developed to predict the effect of missense changes on protein structure and function output the following: SIFT: "Tolerated"; PolyPhen-2: "Benign"; Align-GVGD: "Class C0". The glutamic acid amino acid residue is found in multiple mammalian species, which suggests that this missense change does not adversely affect protein function. In summary, the available evidence is currently insufficient to determine the role of this variant in disease. Therefore, it has been classified as a Variant of Uncertain Significance.

Breakthrough Genomics
Classification: Uncertain significance. Review status: criteria provided, single submitter. Criteria: ACMG Guidelines, 2015. Collection method: not provided. Allele origin: germline. Inheritance: Autosomal recessive inheritance. Affected: yes.